The following is an entry in ClinVar:

NM_001386298.1(CIC):c.2475T>G (p.Pro825=)

Gene: CIC (capicua transcriptional repressor; plus strand). Cytogenetic location: 19q13.2.
Variant type: single nucleotide variant.
Coding change: c.2475T>G on transcript NM_001386298.1 (MANE Select); coding-DNA position 2475, T replaced by G.
Protein change: p.Pro825=; no amino-acid change (proline 825 retained).
Molecular consequence: synonymous variant. On other transcripts: genic upstream transcript variant (1).
Genome position (GRCh38, 1-based): chr19:42,274,258, T>G. VCF-style: chr19-42274258-T-G. GRCh37 (hg19) VCF-style: chr19-42778410-T-G.
Other names: c.2475T>G, p.Pro825= (NM_001304815.2, NM_001379480.1, NM_001379482.1); c.-10447T>G (NM_015125.5).
Identifiers: ClinVar variation 3629846 (VCV003629846.1).

ClinVar aggregate classification (germline): Uncertain significance (1 of 4 stars; one submission).

Submission:

Women's Health and Genetics/Laboratory Corporation of America, LabCorp
Classification: Uncertain significance. Last evaluated: 2024-11-04. Review status: criteria provided, single submitter. Criteria: LabCorp Variant Classification Summary - May 2015. Collection method: clinical testing. Allele origin: germline.
Comment: Variant summary: CIC NM_015125 c.-10447T>G is located in the untranscribed region upstream of the CIC gene region. In alternative transcript NM_001304815.1, this variant is also known as c.2475T>G p.Pro825= and consensus agreement among computation tools predict no significant impact on normal splicing. However, these predictions have yet to be confirmed by functional studies. The frequency data for this variant in gnomAD is considered unreliable, as metrics indicate poor data quality at this position. To our knowledge, no occurrence of c.-10447T>G in individuals affected with Mental Retardation, Autosomal Dominant 45 and no experimental evidence demonstrating its impact on protein function have been reported. No submitters have cited clinical-significance assessments for this variant to ClinVar. Based on the evidence outlined above, the variant was classified as uncertain significance.